The following is an entry in ClinVar:

NM_018685.5(ANLN):c.839C>T (p.Ala280Val)

Gene: ANLN (anillin, actin binding protein; plus strand). Cytogenetic location: 7p14.2.
Variant type: single nucleotide variant.
Coding change: c.839C>T on transcript NM_018685.5 (MANE Select); coding-DNA position 839, C replaced by T.
Protein change: p.Ala280Val; replaces alanine 280 with valine.
Molecular consequence: missense variant.
Genome position (GRCh38, 1-based): chr7:36,406,532, C>T. VCF-style: chr7-36406532-C-T. GRCh37 (hg19) VCF-style: chr7-36446141-C-T.
Other names: c.839C>T, p.Ala280Val (NM_001284301.3, NM_001284302.3); c.839C>T (NM_018685.4); short protein forms A280V.
Identifiers: ClinVar variation 1449685 (VCV001449685.9), dbSNP rs748050195, ClinGen allele CA4219420.

ClinVar aggregate classification (germline): Uncertain significance. Review status: criteria provided, multiple submitters, no conflicts (2 of 4 stars). 2 submissions from 2 submitters: Uncertain significance (2). Last evaluated 2025-09-25.

Conditions:
ANLN-related disorder. Also called: ANLN-related condition.

Allele frequency attached by ClinVar (database versions not stated): ExAC 0.00005; gnomAD exomes 0.00006; TOPMed 0.00006.
gnomAD v4.1: 88 of 1,524,910 alleles (0.0058%); highest among the groups gnomAD compares: Non-Finnish European, 0.0069%; no homozygotes.

Submissions (2):

PreventionGenetics, part of Exact Sciences
Classification: Uncertain significance for ANLN-related condition. Last evaluated: 2025-09-25. Review status: criteria provided, single submitter. Criteria: ACMG Guidelines, 2015. Collection method: clinical testing. Allele origin: germline.
Comment: The ANLN c.839C>T variant is predicted to result in the amino acid substitution p.Ala280Val. To our knowledge, this variant has not been reported in the literature. This variant is reported in 0.011% of alleles in individuals of European (Non-Finnish) descent in gnomAD. Although we suspect that this variant may be benign, at this time, the clinical significance of this variant is uncertain due to the absence of conclusive functional and genetic evidence.

Labcorp Genetics (formerly Invitae), Labcorp
Classification: Uncertain significance. Last evaluated: 2020-12-28. Review status: criteria provided, single submitter. Criteria: Invitae Variant Classification Sherloc (09022015). Collection method: clinical testing. Allele origin: germline.
Comment: This sequence change replaces alanine with valine at codon 280 of the ANLN protein (p.Ala280Val). The alanine residue is weakly conserved and there is a small physicochemical difference between alanine and valine. This variant is present in population databases (rs748050195, ExAC 0.006%). This variant has not been reported in the literature in individuals with ANLN-related conditions. Algorithms developed to predict the effect of missense changes on protein structure and function output the following: SIFT: "Tolerated"; PolyPhen-2: "Benign"; Align-GVGD: "Class C0". The valine amino acid residue is found in multiple mammalian species, suggesting that this missense change does not adversely affect protein function. These predictions have not been confirmed by published functional studies and their clinical significance is uncertain. In summary, the available evidence is currently insufficient to determine the role of this variant in disease. Therefore, it has been classified as a Variant of Uncertain Significance.